The following is an entry in ClinVar:

ClinVar aggregate classification (germline): Uncertain significance (1 of 4 stars; one submission).

Submission:

Labcorp Genetics (formerly Invitae), Labcorp
Classification: Uncertain significance. Last evaluated: 2021-06-28. Review status: criteria provided, single submitter. Criteria: Invitae Variant Classification Sherloc (09022015). Collection method: clinical testing. Allele origin: germline.
Comment: In summary, the available evidence is currently insufficient to determine the role of this variant in disease. Therefore, it has been classified as a Variant of Uncertain Significance. Algorithms developed to predict the effect of missense changes on protein structure and function are either unavailable or do not agree on the potential impact of this missense change (SIFT: "Tolerated"; PolyPhen-2: "Possibly Damaging"; Align-GVGD: "Class C0"). This variant has not been reported in the literature in individuals with TMEM107-related conditions. This variant is not present in population databases (ExAC no frequency). This sequence change replaces alanine with valine at codon 128 of the TMEM107 protein (p.Ala128Val). The alanine residue is weakly conserved and there is a small physicochemical difference between alanine and valine.

NM_183065.4(TMEM107):c.365C>T (p.Ala122Val)

Genes: TMEM107 (transmembrane protein 107; minus strand), LOC105371520 (uncharacterized LOC105371520; plus strand). Cytogenetic location: 17p13.1.
Variant type: single nucleotide variant.
Coding change: c.365C>T on transcript NM_183065.4 (MANE Select); coding-DNA position 365, C replaced by T.
Protein change: p.Ala122Val; replaces alanine 122 with valine.
Molecular consequence: missense variant. On other transcripts: non-coding transcript variant (1).
Genome position (GRCh38, 1-based): chr17:8,174,261, G>A on the plus strand (C>T on the coding strand, the complement: TMEM107 is on the minus strand). VCF-style: chr17-8174261-G-A. GRCh37 (hg19) VCF-style: chr17-8077579-G-A.
Other names: c.362C>T, p.Ala121Val (NM_001351278.2); c.344C>T, p.Ala115Val (NM_001351279.2); c.167C>T, p.Ala56Val (NM_001351280.2); c.383C>T, p.Ala128Val (NM_032354.5); short protein forms A121V, A56V, A128V, A122V, A115V.
Identifiers: ClinVar variation 1501879 (VCV001501879.8), dbSNP rs1983946760, ClinGen allele CA397969961.